The following is an entry in ClinVar:

NM_001250.6(CD40):c.721G>A (p.Asp241Asn)

Gene: CD40 (CD40 molecule; plus strand). Cytogenetic location: 20q13.12.
Variant type: single nucleotide variant.
Coding change: c.721G>A on transcript NM_001250.6 (MANE Select); coding-DNA position 721, G replaced by A.
Protein change: p.Asp241Asn; replaces aspartic acid 241 with asparagine.
Molecular consequence: missense variant. On other transcripts: 3 prime UTR variant (3), non-coding transcript variant (2).
Genome position (GRCh38, 1-based): chr20:46,128,927, G>A. VCF-style: chr20-46128927-G-A. GRCh37 (hg19) VCF-style: chr20-44757566-G-A.
Other names: c.*47G>A (NM_001302753.2, NM_001362758.2, NM_152854.4); c.733G>A, p.Asp245Asn (NM_001322421.2); c.565G>A, p.Asp189Asn (NM_001322422.2); short protein forms D189N, D241N, D245N.
Identifiers: ClinVar variation 1479872 (VCV001479872.5), dbSNP rs764257725, ClinGen allele CA409211778.

ClinVar aggregate classification (germline): Uncertain significance (1 of 4 stars; one submission).

Submission:

Labcorp Genetics (formerly Invitae), Labcorp
Classification: Uncertain significance. Last evaluated: 2021-09-02. Review status: criteria provided, single submitter. Criteria: Invitae Variant Classification Sherloc (09022015). Collection method: clinical testing. Allele origin: germline.
Comment: This sequence change replaces aspartic acid with asparagine at codon 241 of the CD40 protein (p.Asp241Asn). The aspartic acid residue is weakly conserved and there is a small physicochemical difference between aspartic acid and asparagine. This variant is not present in population databases (ExAC no frequency). This variant has not been reported in the literature in individuals affected with CD40-related conditions. Algorithms developed to predict the effect of missense changes on protein structure and function are either unavailable or do not agree on the potential impact of this missense change (SIFT: "Tolerated"; PolyPhen-2: "Possibly Damaging"; Align-GVGD: "Class C0"). In summary, the available evidence is currently insufficient to determine the role of this variant in disease. Therefore, it has been classified as a Variant of Uncertain Significance.